The following is an entry in ClinVar:

ClinVar aggregate classification (germline): Conflicting classifications of pathogenicity. Review status: criteria provided, conflicting classifications (1 of 4 stars). 2 submissions from 2 submitters: Uncertain significance (1); Likely benign (1). Last evaluated 2024-08-09.

Allele frequency attached by ClinVar (database versions not stated): TOPMed 0.00002; gnomAD exomes 0.00006; ExAC 0.00008; ESP Exome Variant Server 0.00008; 1000 Genomes Project 30x 0.00078; 1000 Genomes Project 0.00080.
gnomAD v4.1: 28 of 1,613,246 alleles (0.0017%); highest among the groups gnomAD compares: East Asian, 0.025%; no homozygotes.

Submissions (2):

Blueprint Genetics
Classification: Likely benign. Last evaluated: 2024-08-09. Review status: criteria provided, single submitter. Criteria: ACMG Guidelines, 2015. Collection method: clinical testing. Allele origin: germline.

Labcorp Genetics (formerly Invitae), Labcorp
Classification: Uncertain significance. Last evaluated: 2023-07-10. Review status: criteria provided, single submitter. Criteria: Invitae Variant Classification Sherloc (09022015). Collection method: clinical testing. Allele origin: germline.
Comment: This sequence change replaces glycine, which is neutral and non-polar, with arginine, which is basic and polar, at codon 149 of the REEP6 protein (p.Gly149Arg). This variant is present in population databases (rs138393008, gnomAD 0.03%). This variant has not been reported in the literature in individuals affected with REEP6-related conditions. ClinVar contains an entry for this variant (Variation ID: 852758). Experimental studies and prediction algorithms are not available or were not evaluated, and the functional significance of this variant is currently unknown. In summary, the available evidence is currently insufficient to determine the role of this variant in disease. Therefore, it has been classified as a Variant of Uncertain Significance.

NM_138393.4(REEP6):c.445G>A (p.Gly149Arg)

Gene: REEP6 (receptor accessory protein 6; plus strand). Cytogenetic location: 19p13.3.
Variant type: single nucleotide variant.
Coding change: c.445G>A on transcript NM_138393.4 (MANE Select); coding-DNA position 445, G replaced by A.
Protein change: p.Gly149Arg; replaces glycine 149 with arginine.
Molecular consequence: missense variant.
Genome position (GRCh38, 1-based): chr19:1,496,381, G>A. VCF-style: chr19-1496381-G-A. GRCh37 (hg19) VCF-style: chr19-1496380-G-A.
Other names: c.445G>A, p.Gly149Arg (NM_001329556.3); short protein forms G149R.
Identifiers: ClinVar variation 852758 (VCV000852758.10), dbSNP rs138393008, ClinGen allele CA9047575.
Genomic context (GRCh38, chr19:1,496,381, plus strand): 5'-TGGAACGGGGCTCTCATGCTGTATCAGCGCGTCGTGCGTCCGCTGTTCCTAAGGCACCAC[G>A]GGGCCGTAGACAGAATCATGAACGACCTCAGCGGGCGAGCCCTGGACGCGGCGGCCGGAA-3'
Protein context (NP_612402.1, residues 139-159): VVRPLFLRHH[Gly149Arg]AVDRIMNDLS